The following is an entry in ClinVar:

NM_002617.4(PEX10):c.134G>A (p.Trp45Ter)

Gene: PEX10 (peroxisomal biogenesis factor 10; minus strand). Cytogenetic location: 1p36.32.
Variant type: single nucleotide variant.
Coding change: c.134G>A on transcript NM_002617.4 (MANE Select); coding-DNA position 134, G replaced by A.
Protein change: p.Trp45Ter; replaces tryptophan 45 with a stop codon.
Molecular consequence: nonsense. On other transcripts: 5 prime UTR variant (2), non-coding transcript variant (1).
Genome position (GRCh38, 1-based): chr1:2,410,430, C>T on the plus strand (G>A on the coding strand, the complement: PEX10 is on the minus strand). VCF-style: chr1-2410430-C-T. GRCh37 (hg19) VCF-style: chr1-2341869-C-T.
Other names: c.134G>A, p.Trp45Ter (NM_001374425.1, NM_153818.2); c.-299G>A (NM_001374426.1, NM_001374427.1); short protein forms W45*.
Identifiers: ClinVar variation 2890057 (VCV002890057.3), dbSNP rs2522292124, ClinGen allele CA337989465.

ClinVar aggregate classification (germline): Pathogenic (1 of 4 stars; one submission).

Conditions:
Peroxisome biogenesis disorder, complementation group 7 (CG7). Also called: Peroxisome biogenesis disorder, complementation group B. Identifiers: MedGen C1864399.

Submission:

Labcorp Genetics (formerly Invitae), Labcorp
Classification: Pathogenic for Peroxisome biogenesis disorder, complementation group 7. Last evaluated: 2026-01-24. Review status: criteria provided, single submitter. Criteria: Invitae Variant Classification Sherloc (09022015). Collection method: clinical testing. Allele origin: germline.
Comment: This sequence change creates a premature translational stop signal (p.Trp45*) in the PEX10 gene. It is expected to result in an absent or disrupted protein product. Loss-of-function variants in PEX10 are known to be pathogenic (PMID: 9683594, 10862081, 21031596). This variant is not present in population databases (gnomAD no frequency). This variant has not been reported in the literature in individuals affected with PEX10-related conditions. ClinVar contains an entry for this variant (Variation ID: 2890057). For these reasons, this variant has been classified as Pathogenic.

Literature cited by the submitters: PubMed 9683594; PubMed 10862081; PubMed 21031596.